The following is an entry in ClinVar:

NM_004380.3(CREBBP):c.6046_6049del (p.Met2016fs)

Gene: CREBBP (CREB binding lysine acetyltransferase; minus strand). Cytogenetic location: 16p13.3.
Variant type: Deletion.
Coding change: c.6046_6049del on transcript NM_004380.3 (MANE Select); coding-DNA positions 6046 to 6049, 4 bases deleted (ATGC; older notation c.6046_6049delATGC).
Protein change: p.Met2016fs; shifts the reading frame from methionine 2016.
Molecular consequence: frameshift variant.
Genome position (GRCh38, 1-based): chr16:3,728,998-3,729,001, GCAT deleted on the plus strand (ATGC on the coding strand, the reverse complement: CREBBP is on the minus strand); deleting any 4 consecutive bases within chr16:3,728,998-3,729,003 gives the same sequence; the c. name uses the placement nearest the transcript's 3' end. VCF-style (leftmost placement, unchanged base first): chr16-3728997-GGCAT-G. GRCh37 (hg19) VCF-style: chr16-3778998-GGCAT-G.
Other names: c.5932_5935del, p.Met1978fs (NM_001079846.1); short protein forms M1978fs, M2016fs.
Identifiers: ClinVar variation 3381256 (VCV003381256.2).

ClinVar aggregate classification (germline): Likely pathogenic (1 of 4 stars; one submission).

Conditions:
Rubinstein-Taybi syndrome due to CREBBP mutations (RSTS1). Also called: RUBINSTEIN SYNDROME; Rubinstein-Taybi syndrome 1; CREBBP-Related Rubinstein-Taybi Syndrome; BROAD THUMBS AND GREAT TOES, CHARACTERISTIC FACIES, AND IMPAIRED INTELLECTUAL DEVELOPMENT; RUBINSTEIN-TAYBI SYNDROME 1, INCOMPLETE; BROAD THUMB-HALLUX SYNDROME. Identifiers: Orphanet 353277, Orphanet 783, MedGen C4551859, MONDO:0008393, OMIM 180849.

Submission:

Servicio de Genética Del Instituto Nacional de Salud Del Niño, Ministerio de Salud
Classification: Likely pathogenic for Rubinstein-Taybi syndrome due to CREBBP mutations. Last evaluated: 2024-11-18. Review status: criteria provided, single submitter. Criteria: ACMG Guidelines, 2015. Collection method: clinical testing. Allele origin: germline. Inheritance: Autosomal dominant inheritance. Affected: yes.
Comment: The variant NM_004380.3:c.6046_6049del (p.Met2016Leufs*23) results in a deletion that causes a frameshift and a premature stop codon 23 amino acids downstream. This is predicted to lead to nonsense-mediated decay (NMD) or a truncated protein. According to ACMG/AMP guidelines, this variant meets the criteria for PVS1 and PM2, supporting its classification as likely pathogenic